The following is an entry in ClinVar:

NM_000515.5(GH1):c.16C>T (p.Arg6Trp)

Genes: GH-LCR (growth hormone locus control region; plus strand), GH1 (growth hormone 1; minus strand). Cytogenetic location: 17q23.3.
Variant type: single nucleotide variant.
Coding change: c.16C>T on transcript NM_000515.5 (MANE Select); coding-DNA position 16, C replaced by T.
Protein change: p.Arg6Trp; replaces arginine 6 with tryptophan.
Molecular consequence: missense variant.
Genome position (GRCh38, 1-based): chr17:63,918,501, G>A on the plus strand (C>T on the coding strand, the complement: GH1 is on the minus strand). VCF-style: chr17-63918501-G-A. GRCh37 (hg19) VCF-style: chr17-61995861-G-A.
Other names: c.16C>T, p.Arg6Trp (NM_022559.4, NM_022560.4); short protein forms R6W.
Identifiers: ClinVar variation 3718848 (VCV003718848.2).

ClinVar aggregate classification (germline): Uncertain significance (1 of 4 stars; one submission).

gnomAD v4.1: 16 of 1,613,858 alleles (0.00099%); highest among the groups gnomAD compares: South Asian, 0.0055%; no homozygotes.

Submission:

Labcorp Genetics (formerly Invitae), Labcorp
Classification: Uncertain significance. Last evaluated: 2025-03-31. Review status: criteria provided, single submitter. Criteria: Invitae Variant Classification Sherloc (09022015). Collection method: clinical testing. Allele origin: germline.
Comment: This sequence change replaces arginine, which is basic and polar, with tryptophan, which is neutral and slightly polar, at codon 6 of the GH1 protein (p.Arg6Trp). This variant is present in population databases (rs140576665, gnomAD 0.003%). This variant has not been reported in the literature in individuals affected with GH1-related conditions. An algorithm developed to predict the effect of missense changes on protein structure and function outputs the following: PolyPhen-2: "Benign". The tryptophan amino acid residue is found in multiple mammalian species, which suggests that this missense change does not adversely affect protein function. In summary, the available evidence is currently insufficient to determine the role of this variant in disease. Therefore, it has been classified as a Variant of Uncertain Significance.